The following is an entry in ClinVar:

NM_001267550.2(TTN):c.79162G>T (p.Gly26388Ter)

Genes: TTN-AS1 (TTN antisense RNA 1; plus strand), TTN (titin; minus strand). Cytogenetic location: 2q31.2.
Variant type: single nucleotide variant.
Coding change: c.79162G>T on transcript NM_001267550.2 (MANE Select); coding-DNA position 79162, G replaced by T.
Protein change: p.Gly26388Ter; replaces glycine 26388 with a stop codon.
Molecular consequence: nonsense.
Genome position (GRCh38, 1-based): chr2:178,566,970, C>A on the plus strand (G>T on the coding strand, the complement: TTN is on the minus strand). VCF-style: chr2-178566970-C-A. GRCh37 (hg19) VCF-style: chr2-179431697-C-A.
Other names: c.74239G>T, p.Gly24747Ter (NM_001256850.1); c.51967G>T, p.Gly17323Ter (NM_003319.4); c.71458G>T, p.Gly23820Ter (NM_133378.4); c.52342G>T, p.Gly17448Ter (NM_133432.3); c.52543G>T, p.Gly17515Ter (NM_133437.4); short protein forms G26388*, G23820*, G24747*, G17448*, G17515*, G17323*.
Identifiers: ClinVar variation 196081 (VCV000196081.5), dbSNP rs763822931, ClinGen allele CA275146.

ClinVar aggregate classification (germline): Likely pathogenic. Review status: criteria provided, multiple submitters, no conflicts (2 of 4 stars). 2 submissions from 2 submitters: Likely pathogenic (2). Last evaluated 2018-06-18.

Submissions (2):

GeneDx
Classification: Likely pathogenic. Last evaluated: 2018-06-18. Review status: criteria provided, single submitter. Criteria: GeneDx Variant Classification (06012015). Collection method: clinical testing. Allele origin: germline. Affected: yes.
Comment: A variant that is likely pathogenic has been identified in an alternate transcript in the TTN gene. The G23820X variant has not been published as a pathogenic variant, nor has it been reported as a benign variant to our knowledge. The G23820X variant is not observed in large population cohorts (Lek et al., 2016). The G23820X nonsense variant is predicted to cause loss of normal protein function either through protein truncation or nonsense-mediated mRNA decay. Additionally, the G23820X variant is located in the A-band of the titin protein, where the majority of pathogenic truncating variants have been reported. Therefore, this variant is likely pathogenic; however, the possibility that it is benign cannot be excluded.

Eurofins Ntd Llc (ga)
Classification: Likely pathogenic. Last evaluated: 2014-12-03. Review status: criteria provided, single submitter. Criteria: EGL Classification Definitions 2015. Collection method: clinical testing. Allele origin: germline. Observed: 1 variant allele, 1 heterozygote.